The following is an entry in ClinVar:

ClinVar aggregate classification (germline): Uncertain significance (1 of 4 stars; one submission).

Submission:

Labcorp Genetics (formerly Invitae), Labcorp
Classification: Uncertain significance. Last evaluated: 2025-10-14. Review status: criteria provided, single submitter. Criteria: Invitae Variant Classification Sherloc (09022015). Collection method: clinical testing. Allele origin: germline.
Comment: This sequence change replaces glutamic acid, which is acidic and polar, with glutamine, which is neutral and polar, at codon 1266 of the POLE protein (p.Glu1266Gln). This variant is not present in population databases (gnomAD no frequency). This variant has not been reported in the literature in individuals affected with POLE-related conditions. An algorithm developed to predict the effect of missense changes on protein structure and function (PolyPhen-2) suggests that this variant is likely to be tolerated. Algorithms developed to predict the effect of sequence changes on RNA splicing suggest that this variant may disrupt the consensus splice site. In summary, the available evidence is currently insufficient to determine the role of this variant in disease. Therefore, it has been classified as a Variant of Uncertain Significance.

NM_006231.4(POLE):c.3796G>C (p.Glu1266Gln)

Gene: POLE (DNA polymerase epsilon, catalytic subunit; minus strand). Cytogenetic location: 12q24.33.
Variant type: single nucleotide variant.
Coding change: c.3796G>C on transcript NM_006231.4 (MANE Select); coding-DNA position 3796, G replaced by C.
Protein change: p.Glu1266Gln; replaces glutamic acid 1266 with glutamine.
Molecular consequence: missense variant.
Genome position (GRCh38, 1-based): chr12:132,649,515, C>G on the plus strand (G>C on the coding strand, the complement: POLE is on the minus strand). VCF-style: chr12-132649515-C-G. GRCh37 (hg19) VCF-style: chr12-133226101-C-G.
Other names: short protein forms E1266Q.
Identifiers: ClinVar variation 4750069 (VCV004750069.1).